The following is an entry in ClinVar:

ClinVar aggregate classification (germline): Pathogenic (1 of 4 stars; one submission).

Conditions:
Bloom syndrome (BLM). Also called: Bloom-Torre-Machacek syndrome. Identifiers: Orphanet 125, MedGen C0005859, MONDO:0008876, OMIM 210900.

Submission:

Labcorp Genetics (formerly Invitae), Labcorp
Classification: Pathogenic for Bloom syndrome. Last evaluated: 2023-07-06. Review status: criteria provided, single submitter. Criteria: Invitae Variant Classification Sherloc (09022015). Collection method: clinical testing. Allele origin: germline.
Comment: For these reasons, this variant has been classified as Pathogenic. This variant has not been reported in the literature in individuals affected with BLM-related conditions. This variant is not present in population databases (gnomAD no frequency). This sequence change creates a premature translational stop signal (p.Ser1123Cysfs*24) in the BLM gene. It is expected to result in an absent or disrupted protein product. Loss-of-function variants in BLM are known to be pathogenic (PMID: 17407155).

Literature cited by the submitters: PubMed 17407155.

NM_000057.4(BLM):c.3367_3368del (p.Ser1123fs)

Gene: BLM (BLM RecQ like helicase; plus strand). Cytogenetic location: 15q26.1.
Variant type: Microsatellite.
Coding change: c.3367_3368del on transcript NM_000057.4 (MANE Select); coding-DNA positions 3367 to 3368, 2 bases deleted (AG; older notation c.3367_3368delAG).
Protein change: p.Ser1123fs; shifts the reading frame from serine 1123.
Molecular consequence: frameshift variant. On other transcripts: intron variant (1).
Genome position (GRCh38, 1-based): chr15:90,803,529-90,803,530, AG deleted; deleting any 2 consecutive bases within chr15:90,803,527-90,803,530 gives the same sequence; the c. name uses the placement nearest the transcript's 3' end. VCF-style (leftmost placement, unchanged base first): chr15-90803526-AAG-A. GRCh37 (hg19) VCF-style: chr15-91346756-AAG-A.
Other names: c.3367_3368del, p.Ser1123fs (NM_001287246.2); c.2242_2243del, p.Ser748fs (NM_001287248.2); c.3358+5192_3358+5193del (NM_001287247.2); short protein forms S748fs, S1123fs.
Identifiers: ClinVar variation 1454436 (VCV001454436.6), dbSNP rs2151194158, ClinGen allele CA2580613325.
Genomic context (GRCh38, chr15:90,803,526, plus strand): 5'-GAGGGTGATGATATACGTACATTTACTCATCTTACTTCCTGTATCTTCTTATCAGGGAGT[AAG>A]AGTGCAAAAATCCAGTCAGGTATATTTGGAAAAGGATCTGCTTATTCACGACACAATGCC-3'